The following is an entry in ClinVar:

ClinVar aggregate classification (germline): Uncertain significance (1 of 4 stars; one submission).

gnomAD v4.1: 1 of 1,613,778 alleles (0.000062%); highest among the groups gnomAD compares: Non-Finnish European, 0.000085%; no homozygotes.

Submission:

Labcorp Genetics (formerly Invitae), Labcorp
Classification: Uncertain significance. Last evaluated: 2023-08-06. Review status: criteria provided, single submitter. Criteria: Invitae Variant Classification Sherloc (09022015). Collection method: clinical testing. Allele origin: germline.
Comment: This sequence change falls in intron 20 of the CLTC gene. It does not directly change the encoded amino acid sequence of the CLTC protein. It affects a nucleotide within the consensus splice site. This variant is not present in population databases (gnomAD no frequency). This variant has not been reported in the literature in individuals affected with CLTC-related conditions. Variants that disrupt the consensus splice site are a relatively common cause of aberrant splicing (PMID: 17576681, 9536098). Algorithms developed to predict the effect of sequence changes on RNA splicing suggest that this variant is not likely to affect RNA splicing. In summary, the available evidence is currently insufficient to determine the role of this variant in disease. Therefore, it has been classified as a Variant of Uncertain Significance.

Literature cited by the submitters: PubMed 17576681; PubMed 9536098.

NM_004859.4(CLTC):c.3249+4A>C

Gene: CLTC (clathrin heavy chain; plus strand). Cytogenetic location: 17q23.1.
Variant type: single nucleotide variant.
Coding change: c.3249+4A>C on transcript NM_004859.4 (MANE Select); 4 bases into the intron after coding-DNA position 3249, A replaced by C.
Molecular consequence: intron variant.
Genome position (GRCh38, 1-based): chr17:59,681,482, A>C. VCF-style: chr17-59681482-A-C. GRCh37 (hg19) VCF-style: chr17-57758843-A-C.
Other names: c.3261+4A>C (NM_001288653.2).
Identifiers: ClinVar variation 3016034 (VCV003016034.3), dbSNP rs557041017, ClinGen allele CA292116463.